The following is an entry in ClinVar:

NM_007294.4(BRCA1):c.442-1G>T

Gene: BRCA1 (BRCA1 DNA repair associated; minus strand). Cytogenetic location: 17q21.31.
Variant type: single nucleotide variant.
Coding change: c.442-1G>T on transcript NM_007294.4 (MANE Select); the canonical splice acceptor site of the intron before coding-DNA position 442, G replaced by T.
Molecular consequence: splice acceptor variant. On other transcripts: intron variant (140).
Genome position (GRCh38, 1-based): chr17:43,099,881, C>A on the plus strand (G>T on the coding strand, the complement: BRCA1 is on the minus strand). VCF-style: chr17-43099881-C-A. GRCh37 (hg19) VCF-style: chr17-41251898-C-A.
Other names: c.301-1G>T (NM_001408410.1, NM_001407724.1, NM_001407697.1 and 61 more transcripts); c.301-4G>T (NM_001407741.1, NM_001407838.1, NM_001407936.1 and 35 more transcripts); c.364-1G>T (NM_001408415.1, NM_001408476.1, NM_001408474.1 and 12 more transcripts); c.232-1G>T (NM_001408483.1, NM_001408507.1, NM_001408502.1 and 37 more transcripts); c.442-4G>T (NM_001407634.1, NM_001407610.1, NM_001408495.1 and 65 more transcripts); c.442-1G>T (NM_001408442.1, NM_001408426.1, NM_001407982.1 and 96 more transcripts); c.232-4G>T (NM_001407899.1, NM_001407958.1, NM_001407955.1 and 18 more transcripts); c.364-4G>T (NM_001408413.1, NM_001407660.1, NM_001407661.1 and 6 more transcripts); and 5 more.
Identifiers: ClinVar variation 462651 (VCV000462651.28), dbSNP rs1351019392, ClinGen allele CA10601258.

ClinVar aggregate classification (germline): Uncertain significance. Review status: reviewed by expert panel (3 of 4 stars). 10 submissions from 10 submitters: Uncertain significance (1). 9 of the submissions do not count toward it. Last evaluated 2026-03-18.

Conditions:
Hereditary breast ovarian cancer syndrome. Also called: Hereditary breast and ovarian cancer syndrome (HBOC); BRCA1- and BRCA2-Associated Hereditary Breast and Ovarian Cancer; Hereditary breast and/or ovarian cancer syndrome; Hereditary breast and ovarian cancer syndrome; Hereditary breast and ovarian cancer; Breast and ovarian cancer. Identifiers: Orphanet 145, MedGen C0677776, MeSH D061325, MONDO:0003582. Disease mechanism: loss of function.
BRCA1-related cancer predisposition. Identifiers: MedGen CN377757, MONDO:0700268.
Hereditary cancer-predisposing syndrome. Also called: Neoplastic Syndromes, Hereditary; Hereditary neoplastic syndrome; Tumor predisposition; Hereditary Cancer Syndrome. Identifiers: Orphanet 140162, MedGen C0027672, MeSH D009386, MONDO:0015356.
Breast-ovarian cancer, familial, susceptibility to, 1 (BROVCA1). Also called: BRCA1 Hereditary Breast and Ovarian Cancer; OVARIAN CANCER, SUSCEPTIBILITY TO. Identifiers: Orphanet 145, MedGen C2676676, MONDO:0011450, OMIM 604370. Disease mechanism: loss of function.

Allele frequency attached by ClinVar (database versions not stated): gnomAD exomes below 0.00001; TOPMed below 0.00001; gnomAD 0.00001.
gnomAD v4.1: 3 of 1,606,432 alleles (0.00019%); highest among the groups gnomAD compares: Admixed American, 0.005%; no homozygotes.

Submissions 1 to 6 of 10:

ClinGen ENIGMA BRCA1 and BRCA2 Variant Curation Expert Panel, ClinGen
Classification: Uncertain significance for BRCA1-related cancer predisposition. Last evaluated: 2026-03-18. Review status: reviewed by expert panel. Criteria: CSpec BRCA1/2ACMG Rules Specifications V1.2. Collection method: curation. Allele origin: germline. Inheritance: Autosomal dominant inheritance.
Comment: The c.442-1G>T variant is an intronic variant within the native acceptor 1,2 splice site occurring in intron 6 of the BRCA1 gene. This variant has been previously reported using legacy exon numbering as IVS7-1G>T. This variant is reported to result in aberrant mRNA splicing. RT PCRseq demonstrated that the variant impacts splicing by disrupting the terminal dinucleotide at the intron 6 splice acceptor site and utilizing an in-frame acceptor 3 nucleotides into exon 7, resulting in an in-frame 3 nucleotide (1 amino acid) deletion, c.442_444del (p.Gln148del), with the transcript reported at 50-65% PSI. This deletion does not target any known domains. This alternate splicing event was also reported as a background transcript at 15-25% PSI (Ambry internal data; also known as ∆8p in the literature (PMID: 24569164)). Similar utilization of the cryptic acceptor site has been observed for the nearby c.442-3T>G variant (PMID: 22505045). Code strength determined by comparison of results to PVS1 decision tree and assessment of mRNA splicing data. This variant is present in gnomAD v2.1 (exomes only, non-cancer subset) or gnomAD v3.1 (non-cancer subset) but is below the ENIGMA BRCA1/2 VCEP threshold >0.00002 for BS1_Supporting. In summary, this variant meets the criteria to be classified as a Variant of Uncertain Significance for BRCA1-related cancer predisposition based on the ACMG/AMP criteria applied as specified by the ENIGMA BRCA1/2 VCEP (PVS1_Supporting (RNA)).

Labcorp Genetics (formerly Invitae), Labcorp
Classification: Uncertain significance for Hereditary breast ovarian cancer syndrome. Last evaluated: 2025-11-19. Review status: criteria provided, single submitter. Criteria: Invitae Variant Classification Sherloc (09022015). Collection method: clinical testing. Allele origin: germline. Not counted in ClinVar's aggregate classification.
Comment: This sequence change affects an acceptor splice site in intron 6 of the BRCA1 gene. RNA analysis indicates that disruption of this splice site induces altered splicing and likely results in the loss of 1 amino acid residue(s), but is expected to preserve the integrity of the reading-frame. This variant is present in population databases (no rsID available, gnomAD 0.1%). Disruption of this splice site has been observed in individual(s) with breast and/or ovarian cancer (PMID: 30702160). ClinVar contains an entry for this variant (Variation ID: 462651). Studies have shown that disruption of this splice site results in the activation of a cryptic splice site in exon 7 (also known as exon 8 in the literature) (PMID: 24569164; internal data). In summary, the available evidence is currently insufficient to determine the role of this variant in disease. Therefore, it has been classified as a Variant of Uncertain Significance.

Ambry Genetics
Classification: Uncertain significance for Hereditary cancer-predisposing syndrome. Last evaluated: 2024-07-23. Review status: criteria provided, single submitter. Criteria: Ambry Variant Classification Scheme 2023. Collection method: clinical testing. Allele origin: germline. Not counted in ClinVar's aggregate classification.
Comment: The c.442-1G>T intronic variant results from a G to T substitution one nucleotide upstream from coding exon 6 of the BRCA1 gene. This nucleotide position is not well conserved in available vertebrate species. In silico splice site analysis predicts that this alteration will weaken the native splice acceptor site. Canonical splice site variants are typically considered deleterious; however, alterations at this particular splice acceptor site result in a transcript with a predicted in-frame loss of a single amino acid at the beginning of coding exon 6 (Ambry internal data; Houdayer C et al. Hum. Mutat., 2012 Aug;33:1228-38). This single amino acid loss is a naturally occurring isoform and may be referred to as &Delta;8p in some literature (Colombo M et al. Hum Mol Genet., 2014 Jul;23:3666-80). The functional and clinical significance of this single amino acid loss is unknown. Based on the available evidence, the clinical significance of this variant remains unclear.

Baylor Genetics
Classification: Uncertain significance for Breast-ovarian cancer, familial, susceptibility to, 1. Last evaluated: 2024-02-07. Review status: criteria provided, single submitter. Criteria: ACMG Guidelines, 2015. Collection method: clinical testing. Allele origin: unknown. Not counted in ClinVar's aggregate classification.

Women's Health and Genetics/Laboratory Corporation of America, LabCorp
Classification: Uncertain significance. Last evaluated: 2024-01-29. Review status: criteria provided, single submitter. Criteria: LabCorp Variant Classification Summary - May 2015. Collection method: clinical testing. Allele origin: germline. Not counted in ClinVar's aggregate classification.
Comment: Variant summary: BRCA1 c.442-1G>T is located in a canonical splice-site and is predicted to affect mRNA splicing resulting in a significantly altered protein due to either exon skipping, shortening, or inclusion of intronic material. Computational tools predict a significant impact on normal splicing: Two predict the variant abolishes a canonical 3' splicing acceptor site, while three predict the variant creates or strengthens an in-frame cryptic 3' acceptor site. However, these predictions have yet to be confirmed by functional studies. The ENIGMA Consortium recommends a reduced PVS1 evidence strength (PVS1_supporting) for variants altering this splice site, as they may result in functional in-frame transcripts that could rescue gene functionality. The variant allele was found at a frequency of 4e-06 in 251404 control chromosomes (gnomAD). The available data on variant occurrences in the general population are insufficient to allow any conclusion about variant significance. c.442-1G>T has been reported in the literature in a study of patients with breast and/or ovarian cancer without strong evidence of causality (Bhaskaran_2019). This report does not provide unequivocal conclusions about association of the variant with Hereditary Breast And Ovarian Cancer Syndrome. To our knowledge, no experimental evidence demonstrating an impact on protein function has been reported. ClinVar contains an entry for this variant (Variation ID: 462651). Six submitters have classified the variant as uncertain significance and two as likely pathogenic. Based on the evidence outlined above, the variant was classified as uncertain significance.

Sema4
Classification: Uncertain significance for Hereditary cancer-predisposing syndrome. Last evaluated: 2022-03-06. Review status: criteria provided, single submitter. Criteria: Sema4 Curation Guidelines. Collection method: curation. Allele origin: germline. Not counted in ClinVar's aggregate classification.
Comment: The BRCA1 c.442-1G>T variant has been observed in individual(s) with breast and/or ovarian cancer (PMID: 30702160). It was observed in 2/35438 chromosomes in the Latino/Admixed American population, according to the Genome Aggregation Database (PMID: 32461654). This variant has been reported in ClinVar (Variation ID: 462651). Donor and acceptor splice site variants typically lead to a loss of protein function (PMID: 16199547), and loss-of-function variants in BRCA1 are known to be pathogenic (PMID: 20104584). However, this canonical splice site variant is predicted to result in aberrant splicing, potentially leading to a known naturally occurring isoform, the in-frame deletion of a single amino acid, p.Gln148del (PMID: 24569164). The overall evidence is inconsistent with ACMG/AMP requirements for a classification of benign or pathogenic. In summary, the clinical significance of this variant is currently uncertain.